The following is an entry in ClinVar:

NM_006231.4(POLE):c.4580_4582dup (p.Gly1527dup)

Gene: POLE (DNA polymerase epsilon, catalytic subunit; minus strand). Cytogenetic location: 12q24.33.
Variant type: Duplication.
Coding change: c.4580_4582dup on transcript NM_006231.4 (MANE Select); coding-DNA positions 4580 to 4582, 3 bases duplicated (GCG; older notation c.4580_4582dupGCG).
Protein change: p.Gly1527dup; duplicates glycine 1527.
Molecular consequence: inframe insertion.
Genome position (GRCh38, 1-based): chr12:132,642,966-132,642,968, CGC duplicated on the plus strand (GCG on the coding strand, the reverse complement: POLE is on the minus strand); duplicating any 3 consecutive bases within chr12:132,642,966-132,642,969 gives the same sequence; the c. name uses the placement nearest the transcript's 3' end. VCF-style (leftmost placement, unchanged base first): chr12-132642965-G-GCGC. GRCh37 (hg19) VCF-style: chr12-133219551-G-GCGC.
Identifiers: ClinVar variation 1516392 (VCV001516392.8), dbSNP rs2138542709, ClinGen allele CA2573148300.
Genomic context (GRCh38, chr12:132,642,965, plus strand): 5'-GGTGGCAGGAGCTCAGGGCCCACCTTCTCCAGGAGGAGGCCGTGCTCTGCTGAGTACAGG[G>GCGC]CGCCAAGGCTGGGCATCTGGTTGCTGCGCACCTAGACCAACGCAGGCCACGTCAGCCTCC-3'

ClinVar aggregate classification (germline): Uncertain significance (1 of 4 stars; one submission).

Submission:

Labcorp Genetics (formerly Invitae), Labcorp
Classification: Uncertain significance. Last evaluated: 2024-10-02. Review status: criteria provided, single submitter. Criteria: Invitae Variant Classification Sherloc (09022015). Collection method: clinical testing. Allele origin: germline.
Comment: This variant, c.4580_4582dup, results in the insertion of 1 amino acid(s) of the POLE protein (p.Gly1527dup), but otherwise preserves the integrity of the reading frame. This variant is not present in population databases (gnomAD no frequency). This variant has not been reported in the literature in individuals affected with POLE-related conditions. ClinVar contains an entry for this variant (Variation ID: 1516392). Experimental studies and prediction algorithms are not available or were not evaluated, and the functional significance of this variant is currently unknown. In summary, the available evidence is currently insufficient to determine the role of this variant in disease. Therefore, it has been classified as a Variant of Uncertain Significance.